The following is an entry in ClinVar:

NM_004415.4(DSP):c.8513G>A (p.Arg2838His)

Gene: DSP (desmoplakin; plus strand). Cytogenetic location: 6p24.3.
Variant type: single nucleotide variant.
Coding change: c.8513G>A on transcript NM_004415.4 (MANE Select); coding-DNA position 8513, G replaced by A.
Protein change: p.Arg2838His; replaces arginine 2838 with histidine.
Molecular consequence: missense variant.
Genome position (GRCh38, 1-based): chr6:7,585,775, G>A. VCF-style: chr6-7585775-G-A. GRCh37 (hg19) VCF-style: chr6-7586008-G-A.
Other names: c.6716G>A, p.Arg2239His (NM_001008844.3); c.7184G>A, p.Arg2395His (NM_001319034.2); short protein forms R2838H, R2239H, R2395H.
Identifiers: ClinVar variation 922877 (VCV000922877.15), dbSNP rs930055191, ClinGen allele CA133978230.
Genomic context (GRCh38, chr6:7,585,775, plus strand): 5'-ACATGTCTTCGGCTCCGGGGTCCCGCTCCGGCTCCCGCTCGGGATCTCGCTCCGGATCTC[G>A]CTCCGGGTCCCGCAGTGGGTCCCGGAGAGGAAGCTTTGACGCCACAGGGAATTCTTCCTA-3'
Protein context (NP_004406.2, residues 2828-2848): GSRSGSRSGS[Arg2838His]SGSRSGSRRG

ClinVar aggregate classification (germline): Uncertain significance. Review status: criteria provided, multiple submitters, no conflicts (2 of 4 stars). 4 submissions from 4 submitters: Uncertain significance (4). Last evaluated 2025-02-04.

Conditions:
Arrhythmogenic right ventricular dysplasia 8 (ARVD8). Also called: Arrhythmogenic Right Ventricular Dysplasia/Cardiomyopathy 8; ARRHYTHMOGENIC RIGHT VENTRICULAR DYSPLASIA, FAMILIAL, 8; ARRHYTHMOGENIC RIGHT VENTRICULAR CARDIOMYOPATHY 8. Identifiers: MedGen C1843896, MONDO:0011831, OMIM 607450.
Arrhythmogenic cardiomyopathy with wooly hair and keratoderma. Also called: PALMOPLANTAR KERATODERMA WITH LEFT VENTRICULAR CARDIOMYOPATHY AND WOOLLY HAIR; Carvajal syndrome; Dilated cardiomyopathy with woolly hair and keratoderma; Arrhythmogenic cardiomyopathy with woolly hair and keratoderma. Identifiers: Orphanet 65282, MedGen C1854063, MONDO:0011581, OMIM 605676.
Cardiomyopathy (CMYO). Also called: Cardiomyopathies. Identifiers: Orphanet 167848, MedGen C0878544, MONDO:0004994, HP:0001638. Inheritance: Various modes of inheritance.
Cardiovascular phenotype. Identifiers: MedGen CN230736.

Allele frequency attached by ClinVar (database versions not stated): TOPMed 0.00001.
gnomAD v4.1: 11 of 1,609,492 alleles (0.00068%); highest among the groups gnomAD compares: Non-Finnish European, 0.00093%; no homozygotes.

Submissions (4):

Labcorp Genetics (formerly Invitae), Labcorp
Classification: Uncertain significance for Arrhythmogenic cardiomyopathy with wooly hair and keratoderma; Arrhythmogenic right ventricular dysplasia 8. Last evaluated: 2025-02-04. Review status: criteria provided, single submitter. Criteria: Invitae Variant Classification Sherloc (09022015). Collection method: clinical testing. Allele origin: germline.
Comment: This sequence change replaces arginine, which is basic and polar, with histidine, which is basic and polar, at codon 2838 of the DSP protein (p.Arg2838His). This variant is not present in population databases (gnomAD no frequency). This variant has not been reported in the literature in individuals affected with DSP-related conditions. ClinVar contains an entry for this variant (Variation ID: 922877). An algorithm developed to predict the effect of missense changes on protein structure and function (PolyPhen-2) suggests that this variant is likely to be disruptive. In summary, the available evidence is currently insufficient to determine the role of this variant in disease. Therefore, it has been classified as a Variant of Uncertain Significance.

All of Us Research Program, National Institutes of Health
Classification: Uncertain significance for Arrhythmogenic cardiomyopathy with wooly hair and keratoderma. Last evaluated: 2024-05-14. Review status: criteria provided, single submitter. Criteria: ACMG Guidelines, 2015. Collection method: clinical testing. Allele origin: germline. Inheritance: Autosomal dominant inheritance. Observed: 2 variant alleles, 2 heterozygotes.
Comment: This missense variant replaces arginine with histidine at codon 2838 of the DSP protein. Computational prediction suggests that this variant may not impact protein structure and function (internally defined REVEL score threshold <= 0.5, PMID: 27666373). To our knowledge, functional studies have not been reported for this variant. This variant has not been reported in individuals affected with cardiovascular disorders in the literature. This variant has not been identified in the general population by the Genome Aggregation Database (gnomAD). The available evidence is insufficient to determine the role of this variant in disease conclusively. Therefore, this variant is classified as a Variant of Uncertain Significance.

This study involves interpretation of variants in research participants for the purpose of population health screening. Participant phenotype was not available at the time of variant classification. Additional details can be found in publication PMID: 35346344, PMCID: PMC8962531

Color Diagnostics, LLC DBA Color Health
Classification: Uncertain significance for Cardiomyopathy. Last evaluated: 2024-03-07. Review status: criteria provided, single submitter. Criteria: ACMG Guidelines, 2015. Collection method: clinical testing. Allele origin: germline.
Comment: This missense variant replaces arginine with histidine at codon 2838 of the DSP protein. Computational prediction suggests that this variant may not impact protein structure and function (internally defined REVEL score threshold <= 0.5, PMID: 27666373). To our knowledge, functional studies have not been reported for this variant. This variant has not been reported in individuals affected with cardiovascular disorders in the literature. This variant has not been identified in the general population by the Genome Aggregation Database (gnomAD). The available evidence is insufficient to determine the role of this variant in disease conclusively. Therefore, this variant is classified as a Variant of Uncertain Significance.

Ambry Genetics
Classification: Uncertain significance for Cardiovascular phenotype. Last evaluated: 2020-12-21. Review status: criteria provided, single submitter. Criteria: Ambry Variant Classification Scheme 2023. Collection method: clinical testing. Allele origin: germline.
Comment: The p.R2838H variant (also known as c.8513G>A), located in coding exon 24 of the DSP gene, results from a G to A substitution at nucleotide position 8513. The arginine at codon 2838 is replaced by histidine, an amino acid with highly similar properties. This amino acid position is well conserved in available vertebrate species. In addition, the in silico prediction for this alteration is inconclusive. Since supporting evidence is limited at this time, the clinical significance of this alteration remains unclear.